The following is an entry in ClinVar:

GRCh38/hg38 2q13-14.1(chr2:110638242-112244051)x1

Genes: ACOXL (acyl-CoA oxidase like; plus strand), ACOXL-AS1 (ACOXL antisense RNA 1; minus strand), ANAPC1 (anaphase promoting complex subunit 1; minus strand), BCL2L11 (BCL2 like 11; plus strand), BUB1 (BUB1 mitotic checkpoint serine/threonine kinase; minus strand) and 42 more. Cytogenetic location: 2q13-14.1.
Variant type: copy number loss.
Change: copy number 1 (one copy instead of two) of chr2:110,638,242-112,244,051 (1.61 Mb, GRCh38 coordinates, 1-based), cytogenetic band 2q13-14.1.
Identifiers: ClinVar variation 57565 (VCV000057565.1).

ClinVar aggregate classification (germline): Uncertain significance (1 of 4 stars; one submission).

Submission:

ISCA site 15
Classification: Uncertain significance. Last evaluated: 2011-08-12. Review status: criteria provided, single submitter. Criteria: Kaminsky et al. (Genet Med. 2011). Collection method: clinical testing. Allele origin: paternal. Affected: yes. Observed: 1 variant allele.
Comment: Copy number variation identified through the course of routine clinical cytogenomic testing in postnatal populations. Clinical assertions have been curated as described in Kaminsky et al. 2011.